The following is an entry in ClinVar:

ClinVar aggregate classification (germline): Uncertain significance (1 of 4 stars; one submission).

Submission:

GeneDx
Classification: Uncertain significance. Last evaluated: 2023-07-23. Review status: criteria provided, single submitter. Criteria: GeneDx Variant Classification Process June 2021. Collection method: clinical testing. Allele origin: germline. Affected: yes.
Comment: Not observed at significant frequency in large population cohorts (gnomAD); In silico analysis supports that this missense variant has a deleterious effect on protein structure/function; Has not been previously published as pathogenic or benign to our knowledge

NM_001297595.2(SIN3B):c.676G>A (p.Asp226Asn)

Gene: SIN3B (SIN3 transcription regulator family member B; plus strand). Cytogenetic location: 19p13.11.
Variant type: single nucleotide variant.
Coding change: c.676G>A on transcript NM_001297595.2 (MANE Select); coding-DNA position 676, G replaced by A.
Protein change: p.Asp226Asn; replaces aspartic acid 226 with asparagine.
Molecular consequence: missense variant.
Genome position (GRCh38, 1-based): chr19:16,847,063, G>A. VCF-style: chr19-16847063-G-A. GRCh37 (hg19) VCF-style: chr19-16957874-G-A.
Other names: c.676G>A, p.Asp226Asn (NM_015260.4); short protein forms D226N.
Identifiers: ClinVar variation 3361651 (VCV003361651.1).